The following is an entry in ClinVar:

NM_014754.3(PTDSS1):c.964G>A (p.Gly322Ser)

Gene: PTDSS1 (phosphatidylserine synthase 1; plus strand). Cytogenetic location: 8q22.1.
Variant type: single nucleotide variant.
Coding change: c.964G>A on transcript NM_014754.3 (MANE Select); coding-DNA position 964, G replaced by A.
Protein change: p.Gly322Ser; replaces glycine 322 with serine.
Molecular consequence: missense variant.
Genome position (GRCh38, 1-based): chr8:96,306,513, G>A. VCF-style: chr8-96306513-G-A. GRCh37 (hg19) VCF-style: chr8-97318741-G-A.
Other names: c.526G>A, p.Gly176Ser (NM_001290225.2); short protein forms G322S, G176S.
Identifiers: ClinVar variation 1951076 (VCV001951076.5), dbSNP rs2488158802, ClinGen allele CA371757456.

ClinVar aggregate classification (germline): Uncertain significance (1 of 4 stars; one submission).

Allele frequency attached by ClinVar (database versions not stated): gnomAD exomes below 0.00001.
gnomAD v4.1: 1 of 1,614,024 alleles (0.000062%); highest among the groups gnomAD compares: Non-Finnish European, 0.000085%; no homozygotes.

Submission:

Labcorp Genetics (formerly Invitae), Labcorp
Classification: Uncertain significance. Last evaluated: 2022-05-04. Review status: criteria provided, single submitter. Criteria: Invitae Variant Classification Sherloc (09022015). Collection method: clinical testing. Allele origin: germline.
Comment: In summary, the available evidence is currently insufficient to determine the role of this variant in disease. Therefore, it has been classified as a Variant of Uncertain Significance. This variant has not been reported in the literature in individuals affected with PTDSS1-related conditions. Algorithms developed to predict the effect of missense changes on protein structure and function (SIFT, PolyPhen-2, Align-GVGD) all suggest that this variant is likely to be tolerated. This sequence change replaces glycine, which is neutral and non-polar, with serine, which is neutral and polar, at codon 322 of the PTDSS1 protein (p.Gly322Ser). This variant is not present in population databases (gnomAD no frequency). Algorithms developed to predict the effect of sequence changes on RNA splicing suggest that this variant may create or strengthen a splice site.